The following is an entry in ClinVar:

ClinVar aggregate classification (germline): Likely pathogenic (1 of 4 stars; one submission).

Conditions:
Dermatofibrosis lenticularis disseminata (BOS). Also called: OSTEOPATHIA CONDENSANS DISSEMINATA; DERMATOFIBROSIS LENTICULARIS DISSEMINATA WITH OSTEOPOIKILOSIS; DERMATOOSTEOPOIKILOSIS. Identifiers: Orphanet 1306, MedGen C0265514, MONDO:0008157, OMIM 166700.

Submission:

Variantyx, Inc.
Classification: Likely pathogenic for Dermatofibrosis lenticularis disseminata. Last evaluated: 2025-04-22. Review status: criteria provided, single submitter. Criteria: Variantyx Assertion Criteria 2022. Collection method: clinical testing. Allele origin: germline. Inheritance: Autosomal dominant inheritance. Affected: yes.
Comment: This is a frameshift variant in the LEMD3 gene (OMIM: 607844). Pathogenic variants in this gene have been associated with autosomal dominant Buschke-Ollendorff syndrome. This variant introduces a premature termination codon in exon 1 out of 13 and is expected to result in loss of function, which is a known disease mechanism for LEMD3 in this disorder (PMID: 15489854, 19438932, 17087626) (PVS1). This variant is absent from control populations (PM2) ad it has not been reported in individuals with LEMD3-related disorders in the databases available for review. Based on the current evidence, this variant is classified as likely pathogenic for autosomal dominant Buschke-Ollendorff syndrome. Inter- and intrafamilial clinical variability has been described (PMID:¬†15489854, 6020164).

Literature cited by the submitters: PubMed 15489854; PubMed 19438932; PubMed 17087626.

NM_014319.5(LEMD3):c.1089_1090del (p.Lys363fs)

Genes: LEMD3 (LEM domain containing 3; plus strand), LOC130008225 (ATAC-STARR-seq lymphoblastoid active region 6608; plus strand). Cytogenetic location: 12q14.3.
Variant type: Deletion.
Coding change: c.1089_1090del on transcript NM_014319.5 (MANE Select); coding-DNA positions 1089 to 1090, 2 bases deleted (AC; older notation c.1089_1090delAC).
Protein change: p.Lys363fs; shifts the reading frame from lysine 363.
Molecular consequence: frameshift variant.
Genome position (GRCh38, 1-based): chr12:65,170,685-65,170,686, AC deleted. VCF-style (leftmost placement, unchanged base first): chr12-65170684-AAC-A. GRCh37 (hg19) VCF-style: chr12-65564464-AAC-A.
Other names: c.1089_1090del, p.Lys363fs (NM_001167614.2); short protein forms K363fs.
Identifiers: ClinVar variation 4850183 (VCV004850183.1).